The following is an entry in ClinVar:

ClinVar aggregate classification (germline): Uncertain significance (1 of 4 stars; one submission).

Conditions:
Glycogen storage disease, type II (IOPD). Also called: Pompe Disease; CARDIOMEGALIA GLYCOGENICA DIFFUSA; GLYCOGENOSIS, GENERALIZED, CARDIAC FORM; GSD II; POMPE DISEASE, INFANTILE-ONSET; GLYCOGEN STORAGE DISEASE II, INFANTILE-ONSET. Identifiers: Orphanet 365, MedGen C0017921, MONDO:0009290, OMIM 232300.

Submission:

Genomenon, Inc
Classification: Uncertain significance for Glycogen storage disease, type II. Last evaluated: 2026-07-01. Review status: criteria provided, single submitter. Criteria: Genomenon Sequence Variant Interpretation Standards - Updated. Collection method: curation. Allele origin: germline.
Comment: GAA p.Arg190Gly (c.568C>G) is a missense variant that changes the amino acid at codon 190 from Arginine to Glycine. This variant has been reported in the compound heterozygous and/or homozygous state in at least one individual without a confirmed diagnosis of Pompe disease (PMID:38186848). The presence of pathogenic/likely pathogenic missense variant(s) at the same amino acid position indicates that this residue is likely important for protein function. It is absent or not present at a significant frequency in gnomAD. In conclusion, we classify GAA p.Arg190Gly (c.568C>G) as a variant of uncertain significance.

Literature cited by the submitters: PubMed 38186848.

NM_000152.5(GAA):c.568C>G (p.Arg190Gly)

Gene: GAA (alpha glucosidase; plus strand). Cytogenetic location: 17q25.3.
Variant type: single nucleotide variant.
Coding change: c.568C>G on transcript NM_000152.5 (MANE Select); coding-DNA position 568, C replaced by G.
Protein change: p.Arg190Gly; replaces arginine 190 with glycine.
Molecular consequence: missense variant.
Genome position (GRCh38, 1-based): chr17:80,105,770, C>G. VCF-style: chr17-80105770-C-G. GRCh37 (hg19) VCF-style: chr17-78079569-C-G.
Other names: c.568C>G, p.Arg190Gly (NM_001079803.3, NM_001079804.3, NM_001406741.1 and 1 more transcripts); short protein forms R190G.
Identifiers: ClinVar variation 4876665 (VCV004876665.1).
Genomic context (GRCh38, chr17:80,105,770, plus strand): 5'-TGGCTGTGGGGAACATCAATAAACCCCCATCTCTTCTAGATCAAAGATCCAGCTAACAGG[C>G]GCTACGAGGTGCCCTTGGAGACCCCGCATGTCCACAGCCGGGCACCGTCCCCACTCTACA-3'
Protein context (NP_000143.2, residues 180-200): HFTIKDPANR[Arg190Gly]YEVPLETPHV